The following is an entry in ClinVar:

NM_000875.5(IGF1R):c.1222A>C (p.Ile408Leu)

Gene: IGF1R (insulin like growth factor 1 receptor; plus strand). Cytogenetic location: 15q26.3.
Variant type: single nucleotide variant.
Coding change: c.1222A>C on transcript NM_000875.5 (MANE Select); coding-DNA position 1222, A replaced by C.
Protein change: p.Ile408Leu; replaces isoleucine 408 with leucine.
Molecular consequence: missense variant.
Genome position (GRCh38, 1-based): chr15:98,899,596, A>C. VCF-style: chr15-98899596-A-C. GRCh37 (hg19) VCF-style: chr15-99442825-A-C.
Other names: c.1222A>C, p.Ile408Leu (NM_001291858.2); short protein forms I408L.
Identifiers: ClinVar variation 2635793 (VCV002635793.1), dbSNP rs1211176645, ClinGen allele CA393672319.

ClinVar aggregate classification (germline): Uncertain significance (1 of 4 stars; one submission).

Conditions:
IGF1R-related disorder. Also called: IGF1R-related condition.

Allele frequency attached by ClinVar (database versions not stated): gnomAD 0.00001; TOPMed 0.00001.
gnomAD v4.1: 6 of 1,613,992 alleles (0.00037%); highest among the groups gnomAD compares: Non-Finnish European, 0.00051%; no homozygotes.

Submission:

PreventionGenetics, part of Exact Sciences
Classification: Uncertain significance for IGF1R-related condition. Last evaluated: 2022-10-21. Review status: criteria provided, single submitter. Criteria: ACMG Guidelines, 2015. Collection method: clinical testing. Allele origin: germline.
Comment: The IGF1R c.1222A>C variant is predicted to result in the amino acid substitution p.Ile408Leu. To our knowledge, this variant has not been reported in the literature or in a large population database, indicating this variant is rare. At this time, the clinical significance of this variant is uncertain due to the absence of conclusive functional and genetic evidence.